The following is an entry in ClinVar:

ClinVar aggregate classification (germline): Likely benign. Review status: criteria provided, single submitter (1 of 4 stars). 2 submissions from 2 submitters: Likely benign (1). 1 of the submissions does not count toward it. Last evaluated 2025-03-11.

Conditions:
COQ2-related disorder. Also called: COQ2-related condition.

Allele frequency attached by ClinVar (database versions not stated): gnomAD 0.00002; gnomAD exomes 0.00010; TOPMed 0.00003; ExAC 0.00007.

Submissions (2):

Mayo Clinic Laboratories, Mayo Clinic
Classification: Likely benign. Last evaluated: 2025-03-11. Review status: criteria provided, single submitter. Criteria: ACMG Guidelines, 2015. Collection method: clinical testing. Allele origin: germline. Observed: 2 variant alleles.
Comment: BP4, BP7

PreventionGenetics, part of Exact Sciences
Classification: Likely benign for COQ2-related condition. Last evaluated: 2022-12-19. Review status: no assertion criteria provided. Collection method: clinical testing. Allele origin: germline. Not counted in ClinVar's aggregate classification.
Comment: This variant is classified as likely benign based on ACMG/AMP sequence variant interpretation guidelines (Richards et al. 2015 PMID: 25741868, with internal and published modifications).

NM_001358921.2(COQ2):c.*8A>G

Gene: COQ2 (coenzyme Q2, polyprenyltransferase; minus strand). Cytogenetic location: 4q21.23.
Variant type: single nucleotide variant.
Coding change: c.*8A>G on transcript NM_001358921.2 (MANE Select); 8 bases downstream of the stop codon, A replaced by G.
Molecular consequence: 3 prime UTR variant.
Genome position (GRCh38, 1-based): chr4:83,264,191, T>C on the plus strand (A>G on the coding strand, the complement: COQ2 is on the minus strand). VCF-style: chr4-83264191-T-C. GRCh37 (hg19) VCF-style: chr4-84185344-T-C.
Other names: c.*8A>G (NM_015697.8, NM_015697.9).
Identifiers: ClinVar variation 3046055 (VCV003046055.3), dbSNP rs551102947, ClinGen allele CA2988436.
Genomic context (GRCh38, chr4:83,264,191, plus strand): 5'-ATTTTGTATTCAAATCTAATTATATTTTGTAAAAAATGTTTTAAAAATTCCTAGATAAAT[T>C]TCATTCATTAATTTTCTATTTTATTCTCTATACCCTTCTTTGTTTTGTCTGTCTTCTTTT-3'